The following is an entry in ClinVar:

ClinVar aggregate classification (germline): Uncertain significance (1 of 4 stars; one submission).

Allele frequency attached by ClinVar (database versions not stated): gnomAD exomes 0.00001; TOPMed 0.00001.
gnomAD v4.1: 8 of 1,613,040 alleles (0.0005%); highest among the groups gnomAD compares: Non-Finnish European, 0.00068%; no homozygotes.

Submission:

Women's Health and Genetics/Laboratory Corporation of America, LabCorp
Classification: Uncertain significance. Last evaluated: 2023-10-26. Review status: criteria provided, single submitter. Criteria: LabCorp Variant Classification Summary - May 2015. Collection method: clinical testing. Allele origin: germline.
Comment: Variant summary: FBXW7 c.31A>G (p.Lys11Glu) results in a conservative amino acid change in the encoded protein sequence. Four of five in-silico tools predict a benign effect of the variant on protein function. The variant was absent in 248004 control chromosomes (gnomAD). The available data on variant occurrences in the general population are insufficient to allow any conclusion about variant significance. To our knowledge, no occurrence of c.31A>G in individuals affected with Developmental Delay, Hypotonia, And Impaired Language and no experimental evidence demonstrating its impact on protein function have been reported. No submitters have cited clinical-significance assessments for this variant to ClinVar after 2014. Based on the evidence outlined above, the variant was classified as uncertain significance.

NM_001349798.2(FBXW7):c.31A>G (p.Lys11Glu)

Gene: FBXW7 (F-box and WD repeat domain containing 7; minus strand). Cytogenetic location: 4q31.3.
Variant type: single nucleotide variant.
Coding change: c.31A>G on transcript NM_001349798.2 (MANE Select); coding-DNA position 31, A replaced by G.
Protein change: p.Lys11Glu; replaces lysine 11 with glutamic acid.
Molecular consequence: missense variant.
Genome position (GRCh38, 1-based): chr4:152,411,773, T>C on the plus strand (A>G on the coding strand, the complement: FBXW7 is on the minus strand). VCF-style: chr4-152411773-T-C. GRCh37 (hg19) VCF-style: chr4-153332925-T-C.
Other names: c.31A>G, p.Lys11Glu (NM_001257069.1, NM_033632.3); short protein forms K11E.
Identifiers: ClinVar variation 2637508 (VCV002637508.1), dbSNP rs1737990894, ClinGen allele CA358620849.